The following is an entry in ClinVar:

NM_020778.5(ALPK3):c.3940C>T (p.Arg1314Cys)

Gene: ALPK3 (alpha kinase 3; plus strand). Cytogenetic location: 15q25.3.
Variant type: single nucleotide variant.
Coding change: c.3940C>T on transcript NM_020778.5 (MANE Select); coding-DNA position 3940, C replaced by T.
Protein change: p.Arg1314Cys; replaces arginine 1314 with cysteine.
Molecular consequence: missense variant.
Genome position (GRCh38, 1-based): chr15:84,859,365, C>T. VCF-style: chr15-84859365-C-T. GRCh37 (hg19) VCF-style: chr15-85402596-C-T.
Other names: short protein forms R1314C.
Identifiers: ClinVar variation 1436120 (VCV001436120.13), dbSNP rs147819987, ClinGen allele CA7709764.
Genomic context (GRCh38, chr15:84,859,365, plus strand): 5'-CTGTGGTGCCAGTTTTTCAACATTCTTAGTGACTCAGTCTTGACATGGGCCAAGGATCAG[C>T]GCCCAGTGGGCGAGGTGGGCAGGAGGTAAGCCAACGACACCACTGCCACCTGACCTGGCT-3'
Protein context (NP_065829.4, residues 1304-1324): DSVLTWAKDQ[Arg1314Cys]PVGEVGRSAG

ClinVar aggregate classification (germline): Conflicting classifications of pathogenicity. Review status: criteria provided, conflicting classifications (1 of 4 stars). 5 submissions from 5 submitters: Uncertain significance (3); Likely benign (2). Last evaluated 2026-06-25.

Conditions:
ALPK3-related disorder. Also called: ALPK3-related condition.
Cardiovascular phenotype. Identifiers: MedGen CN230736.

Allele frequency attached by ClinVar (database versions not stated): ExAC 0.00002; gnomAD exomes 0.00002 and 0.00005; TOPMed 0.00002; gnomAD 0.00003; ESP Exome Variant Server 0.00008.
gnomAD v4.1: 78 of 1,614,008 alleles (0.0048%); highest among the groups gnomAD compares: Non-Finnish European, 0.0054%; no homozygotes.

Submissions (5):

PreventionGenetics, part of Exact Sciences
Classification: Uncertain significance for ALPK3-related condition. Last evaluated: 2026-06-25. Review status: criteria provided, single submitter. Criteria: ACMG Guidelines, 2015. Collection method: clinical testing. Allele origin: germline.
Comment: The ALPK3 c.4546C>T variant is predicted to result in the amino acid substitution p.Arg1516Cys. To our knowledge, this variant has not been reported in the literature. This variant is reported in 0.019% of alleles in individuals of Ashkenazi Jewish descent in gnomAD. At this time, the clinical significance of this variant is uncertain due to the absence of conclusive functional and genetic evidence.

Labcorp Genetics (formerly Invitae), Labcorp
Classification: Uncertain significance. Last evaluated: 2025-04-11. Review status: criteria provided, single submitter. Criteria: Invitae Variant Classification Sherloc (09022015). Collection method: clinical testing. Allele origin: germline.
Comment: This sequence change replaces arginine, which is basic and polar, with cysteine, which is neutral and slightly polar, at codon 1516 of the ALPK3 protein (p.Arg1516Cys). This variant is present in population databases (rs147819987, gnomAD 0.01%), including at least one homozygous and/or hemizygous individual. This variant has not been reported in the literature in individuals affected with ALPK3-related conditions. ClinVar contains an entry for this variant (Variation ID: 1436120). Invitae Evidence Modeling of protein sequence and biophysical properties (such as structural, functional, and spatial information, amino acid conservation, physicochemical variation, residue mobility, and thermodynamic stability) indicates that this missense variant is not expected to disrupt ALPK3 protein function with a negative predictive value of 80%. In summary, the available evidence is currently insufficient to determine the role of this variant in disease. Therefore, it has been classified as a Variant of Uncertain Significance.

Molecular Diagnostic Laboratory for Inherited Cardiovascular Disease, Montreal Heart Institute
Classification: Uncertain significance for Cardiovascular phenotype. Last evaluated: 2025-04-09. Review status: criteria provided, single submitter. Criteria: ACMG Guidelines, 2015. Collection method: clinical testing. Allele origin: germline. Affected: yes.

Blueprint Genetics
Classification: Likely benign. Last evaluated: 2024-09-20. Review status: criteria provided, single submitter. Criteria: ACMG Guidelines, 2015. Collection method: clinical testing. Allele origin: germline.

Ambry Genetics
Classification: Likely benign for Cardiovascular phenotype. Last evaluated: 2019-09-18. Review status: criteria provided, single submitter. Criteria: Ambry Variant Classification Scheme 2023. Collection method: clinical testing. Allele origin: germline.